The following is an entry in ClinVar:

NM_001035.3(RYR2):c.8004C>T (p.Cys2668=)

Gene: RYR2 (ryanodine receptor 2; plus strand). Cytogenetic location: 1q43.
Variant type: single nucleotide variant.
Coding change: c.8004C>T on transcript NM_001035.3 (MANE Select); coding-DNA position 8004, C replaced by T.
Protein change: p.Cys2668=; no amino-acid change (cysteine 2668 retained).
Molecular consequence: synonymous variant.
Genome position (GRCh38, 1-based): chr1:237,655,859, C>T. VCF-style: chr1-237655859-C-T. GRCh37 (hg19) VCF-style: chr1-237819159-C-T.
Other names: c.8004C>T, p.Cys2668= (LRG_402t1).
Identifiers: ClinVar variation 514147 (VCV000514147.1), dbSNP rs1553270516, ClinGen allele CA423820562.
Genomic context (GRCh38, chr1:237,655,859, plus strand): 5'-TTTGGTCCTCCATTTTTCCCAGAAATATGAACAAGAACTTTTCAAACTGGCACTGCCTTG[C>T]CTGAGTGCAGTTGCGGGAGCTTTGCCTCCAGACTACATGGAGTCAAATTATGTCAGTATG-3'
Protein context (NP_001026.2, residues 2658-2678): EQELFKLALP[Cys2668=]LSAVAGALPP

ClinVar aggregate classification (germline): Likely benign (1 of 4 stars; one submission).

Allele frequency attached by ClinVar (database versions not stated): gnomAD exomes below 0.00001.

Submission:

GeneDx
Classification: Likely benign. Last evaluated: 2017-12-15. Review status: criteria provided, single submitter. Criteria: GeneDx Variant Classification (06012015). Collection method: clinical testing. Allele origin: germline. Affected: yes.
Comment: This variant is considered likely benign or benign based on one or more of the following criteria: it is a conservative change, it occurs at a poorly conserved position in the protein, it is predicted to be benign by multiple in silico algorithms, and/or has population frequency not consistent with disease.